The following is an entry in ClinVar:

NM_000455.5(STK11):c.703A>G (p.Lys235Glu)

Gene: STK11 (serine/threonine kinase 11; plus strand). Cytogenetic location: 19p13.3.
Variant type: single nucleotide variant.
Coding change: c.703A>G on transcript NM_000455.5 (MANE Select); coding-DNA position 703, A replaced by G.
Protein change: p.Lys235Glu; replaces lysine 235 with glutamic acid.
Molecular consequence: missense variant. On other transcripts: non-coding transcript variant (1).
Genome position (GRCh38, 1-based): chr19:1,220,686, A>G. VCF-style: chr19-1220686-A-G. GRCh37 (hg19) VCF-style: chr19-1220685-A-G.
Other names: c.703A>G, p.Lys235Glu (NM_001407255.1); short protein forms K235E.
Identifiers: ClinVar variation 3231751 (VCV003231751.1), dbSNP rs2145425438, ClinGen allele CA402949870.

ClinVar aggregate classification (germline): Uncertain significance (1 of 4 stars; one submission).

Conditions:
Hereditary cancer-predisposing syndrome. Also called: Neoplastic Syndromes, Hereditary; Tumor predisposition; Hereditary neoplastic syndrome; Hereditary Cancer Syndrome. Identifiers: Orphanet 140162, MedGen C0027672, MeSH D009386, MONDO:0015356.

Allele frequency attached by ClinVar (database versions not stated): gnomAD exomes below 0.00001.
gnomAD v4.1: 1 of 1,610,690 alleles (0.000062%); highest among the groups gnomAD compares: Non-Finnish European, 0.000085%; no homozygotes.

Submission:

Ambry Genetics
Classification: Uncertain significance for Hereditary cancer-predisposing syndrome. Last evaluated: 2023-12-08. Review status: criteria provided, single submitter. Criteria: Ambry Variant Classification Scheme 2023. Collection method: clinical testing. Allele origin: germline.
Comment: The p.K235E variant (also known as c.703A>G), located in coding exon 5 of the STK11 gene, results from an A to G substitution at nucleotide position 703. The lysine at codon 235 is replaced by glutamic acid, an amino acid with similar properties. This amino acid position is conserved. In addition, this alteration is predicted to be deleterious by in silico analysis. Since supporting evidence is limited at this time, the clinical significance of this alteration remains unclear.